The following is an entry in ClinVar:

ClinVar aggregate classification (germline): Conflicting classifications of pathogenicity. Review status: criteria provided, conflicting classifications (1 of 4 stars). 3 submissions from 3 submitters: Uncertain significance (2); Likely benign (1). Last evaluated 2023-03-23.

Conditions:
Hereditary cancer-predisposing syndrome. Also called: Neoplastic Syndromes, Hereditary; Tumor predisposition; Hereditary Cancer Syndrome; Hereditary neoplastic syndrome. Identifiers: Orphanet 140162, MedGen C0027672, MeSH D009386, MONDO:0015356.
Hereditary breast ovarian cancer syndrome. Also called: Hereditary breast and ovarian cancer syndrome; BRCA1- and BRCA2-Associated Hereditary Breast and Ovarian Cancer; Hereditary breast and ovarian cancer; Hereditary breast and ovarian cancer syndrome (HBOC); Breast and ovarian cancer; Hereditary breast and/or ovarian cancer syndrome. Identifiers: Orphanet 145, MedGen C0677776, MeSH D061325, MONDO:0003582. Disease mechanism: loss of function.

Submissions (3):

University of Washington Department of Laboratory Medicine, University of Washington
Classification: Likely benign for Hereditary cancer-predisposing syndrome. Last evaluated: 2023-03-23. Review status: criteria provided, single submitter. Criteria: Dines et al. (Genet Med. 2020). Collection method: curation. Allele origin: germline.
Comment: Missense variant in a coldspot region where missense variants are very unlikely to be pathogenic (PMID:31911673).

BRCA2 exon 10 coldspot. Reclassification based on statistical prior probability.

Labcorp Genetics (formerly Invitae), Labcorp
Classification: Uncertain significance for Hereditary breast ovarian cancer syndrome. Last evaluated: 2021-10-05. Review status: criteria provided, single submitter. Criteria: Invitae Variant Classification Sherloc (09022015). Collection method: clinical testing. Allele origin: germline.
Comment: In summary, the available evidence is currently insufficient to determine the role of this variant in disease. Therefore, it has been classified as a Variant of Uncertain Significance. Advanced modeling of protein sequence and biophysical properties (such as structural, functional, and spatial information, amino acid conservation, physicochemical variation, residue mobility, and thermodynamic stability) performed at Invitae indicates that this missense variant is not expected to disrupt BRCA2 protein function. ClinVar contains an entry for this variant (Variation ID: 924216). This variant has not been reported in the literature in individuals affected with BRCA2-related conditions. This variant is not present in population databases (ExAC no frequency). This sequence change replaces lysine with glutamic acid at codon 437 of the BRCA2 protein (p.Lys437Glu). The lysine residue is weakly conserved and there is a small physicochemical difference between lysine and glutamic acid.

Color Diagnostics, LLC DBA Color Health
Classification: Uncertain significance for Hereditary cancer-predisposing syndrome. Last evaluated: 2019-09-19. Review status: criteria provided, single submitter. Criteria: ACMG Guidelines, 2015. Collection method: clinical testing. Allele origin: germline.
Comment: This missense variant replaces lysine with glutamic acid at codon 437 of the BRCA2 protein. Computational prediction tool suggests that this variant may not impact protein structure and function (internally defined REVEL score threshold ≤0.5, PMID: 27666373). Splice site prediction tools suggest that this variant may not impact RNA splicing. To our knowledge, functional studies have not been performed for this variant. This variant has not been reported in individuals affected with hereditary cancer in the literature. This variant has not been identified in the general population by the Genome Aggregation Database (gnomAD). The available evidence is insufficient to determine the role of this variant in disease conclusively. Therefore, this variant is classified as a Variant of Uncertain Significance.

NM_000059.4(BRCA2):c.1309A>G (p.Lys437Glu)

Gene: BRCA2 (BRCA2 DNA repair associated; plus strand). Cytogenetic location: 13q13.1.
Variant type: single nucleotide variant.
Coding change: c.1309A>G on transcript NM_000059.4 (MANE Select); coding-DNA position 1309, A replaced by G.
Protein change: p.Lys437Glu; replaces lysine 437 with glutamic acid.
Molecular consequence: missense variant.
Genome position (GRCh38, 1-based): chr13:32,332,787, A>G. VCF-style: chr13-32332787-A-G. GRCh37 (hg19) VCF-style: chr13-32906924-A-G.
Other names: short protein forms K437E.
Identifiers: ClinVar variation 924216 (VCV000924216.10), dbSNP rs2072409220, ClinGen allele CA387762597.
Genomic context (GRCh38, chr13:32,332,787, plus strand): 5'-TCTTCATGTGACCAAAATATTTCAGAAAAAGACCTATTAGACACAGAGAACAAAAGAAAG[A>G]AAGATTTTCTTACTTCAGAGAATTCTTTGCCACGTATTTCTAGCCTACCAAAATCAGAGA-3'
Protein context (NP_000050.3, residues 427-447): DLLDTENKRK[Lys437Glu]DFLTSENSLP